The following is an entry in ClinVar:

NM_000528.4(MAN2B1):c.1209C>A (p.Arg403=)

Gene: MAN2B1 (mannosidase alpha class 2B member 1; minus strand). Cytogenetic location: 19p13.13.
Variant type: single nucleotide variant.
Coding change: c.1209C>A on transcript NM_000528.4 (MANE Select); coding-DNA position 1209, C replaced by A.
Protein change: p.Arg403=; no amino-acid change (arginine 403 retained).
Molecular consequence: synonymous variant.
Genome position (GRCh38, 1-based): chr19:12,658,245, G>T on the plus strand (C>A on the coding strand, the complement: MAN2B1 is on the minus strand). VCF-style: chr19-12658245-G-T. GRCh37 (hg19) VCF-style: chr19-12769059-G-T.
Other names: c.1206C>A, p.Arg402= (NM_001173498.2).
Identifiers: ClinVar variation 729646 (VCV000729646.13), dbSNP rs559827776, ClinGen allele CA9226548.

ClinVar aggregate classification (germline): Likely benign. Review status: criteria provided, multiple submitters, no conflicts (2 of 4 stars). 4 submissions from 4 submitters: Likely benign (3). 1 of the submissions does not count toward it. Last evaluated 2026-06-29.

Conditions:
Deficiency of alpha-mannosidase (MANSA). Also called: Mannosidosis, alpha-, types I and II; LYSOSOMAL ALPHA-D-MANNOSIDASE DEFICIENCY; Alpha-Mannosidosis. Identifiers: Orphanet 61, MedGen C0024748, MONDO:0009561, OMIM 248500.
MAN2B1-related disorder. Also called: MAN2B1-related condition.

Allele frequency attached by ClinVar (database versions not stated): gnomAD exomes 0.00006 and 0.00012; ExAC 0.00007; gnomAD 0.00013 and 0.00016; TOPMed 0.00013.

Submissions (4):

PreventionGenetics, part of Exact Sciences
Classification: Likely benign for MAN2B1-related condition. Last evaluated: 2026-06-29. Review status: criteria provided, single submitter. Criteria: ACMG Guidelines, 2015. Collection method: clinical testing. Allele origin: germline.
Comment: This variant is classified as likely benign based on ACMG/AMP sequence variant interpretation guidelines (Richards et al. 2015 PMID: 25741868, with internal and published modifications).

Labcorp Genetics (formerly Invitae), Labcorp
Classification: Likely benign for Deficiency of alpha-mannosidase. Last evaluated: 2026-01-28. Review status: criteria provided, single submitter. Criteria: Invitae Variant Classification Sherloc (09022015). Collection method: clinical testing. Allele origin: germline.

Blueprint Genetics
Classification: Likely benign. Last evaluated: 2024-10-25. Review status: criteria provided, single submitter. Criteria: ACMG Guidelines, 2015. Collection method: clinical testing. Allele origin: germline.

Natera, Inc.
Classification: Uncertain significance for Alpha-mannosidosis. Last evaluated: 2020-01-24. Review status: no assertion criteria provided. Collection method: clinical testing. Allele origin: germline. Not counted in ClinVar's aggregate classification.